The following is an entry in ClinVar:

ClinVar aggregate classification (germline): Uncertain significance (1 of 4 stars; one submission).

Allele frequency attached by ClinVar (database versions not stated): gnomAD exomes below 0.00001 and 0.00001; TOPMed below 0.00001; gnomAD 0.00001.
gnomAD v4.1: 3 of 1,208,784 alleles (0.00025%); highest among the groups gnomAD compares: Admixed American, 0.0066%; no homozygotes.

Submission:

Labcorp Genetics (formerly Invitae), Labcorp
Classification: Uncertain significance. Last evaluated: 2024-10-17. Review status: criteria provided, single submitter. Criteria: Invitae Variant Classification Sherloc (09022015). Collection method: clinical testing. Allele origin: germline.
Comment: This sequence change replaces aspartic acid, which is acidic and polar, with valine, which is neutral and non-polar, at codon 1143 of the NEXMIF protein (p.Asp1143Val). This variant is present in population databases (no rsID available, gnomAD 0.004%). This variant has not been reported in the literature in individuals affected with NEXMIF-related conditions. ClinVar contains an entry for this variant (Variation ID: 944722). An algorithm developed to predict the effect of missense changes on protein structure and function (PolyPhen-2) suggests that this variant is likely to be disruptive. In summary, the available evidence is currently insufficient to determine the role of this variant in disease. Therefore, it has been classified as a Variant of Uncertain Significance.

NM_001008537.3(NEXMIF):c.3428A>T (p.Asp1143Val)

Gene: NEXMIF (neurite extension and migration factor; minus strand). Cytogenetic location: Xq13.3.
Variant type: single nucleotide variant.
Coding change: c.3428A>T on transcript NM_001008537.3 (MANE Select); coding-DNA position 3428, A replaced by T.
Protein change: p.Asp1143Val; replaces aspartic acid 1143 with valine.
Molecular consequence: missense variant.
Genome position (GRCh38, 1-based): chrX:74,741,129, T>A on the plus strand (A>T on the coding strand, the complement: NEXMIF is on the minus strand). VCF-style: chrX-74741129-T-A. GRCh37 (hg19) VCF-style: chrX-73960964-T-A.
Other names: short protein forms D1143V.
Identifiers: ClinVar variation 944722 (VCV000944722.9), dbSNP rs1395565262, ClinGen allele CA413665966.
Genomic context (GRCh38, chrX:74,741,129, plus strand): 5'-GATGGATCATTAAATGTTGACAGGCAAGGGTTTTTTTGGAGCAGGCTGACAGAATCCTCA[T>A]CATTGAACATATGGAACTGAAACTGGTGATTATTTAAAGTAAATCCATCCTCCATTTGGA-3'
Protein context (NP_001008537.1, residues 1133-1153): NHQFQFHMFN[Asp1143Val]EDSVSLLQKN